The following is an entry in ClinVar:

ClinVar aggregate classification (germline): Pathogenic (1 of 4 stars; one submission).

gnomAD v4.1: 1 of 1,613,390 alleles (0.000062%); highest among the groups gnomAD compares: South Asian, 0.0011%; no homozygotes.

Submission:

Labcorp Genetics (formerly Invitae), Labcorp
Classification: Pathogenic. Last evaluated: 2023-03-20. Review status: criteria provided, single submitter. Criteria: Invitae Variant Classification Sherloc (09022015). Collection method: clinical testing. Allele origin: germline.
Comment: This sequence change creates a premature translational stop signal (p.Leu279*) in the TBCE gene. It is expected to result in an absent or disrupted protein product. Loss-of-function variants in TBCE are known to be pathogenic (PMID: 27666369, 34134906, 34356170). This variant is not present in population databases (gnomAD no frequency). This variant has not been reported in the literature in individuals affected with TBCE-related conditions. For these reasons, this variant has been classified as Pathogenic.

Literature cited by the submitters: PubMed 27666369; PubMed 34134906; PubMed 34356170.

NM_003193.5(TBCE):c.836T>G (p.Leu279Ter)

Gene: TBCE (tubulin folding cofactor E; plus strand). Cytogenetic location: 1q42.3.
Variant type: single nucleotide variant.
Coding change: c.836T>G on transcript NM_003193.5 (MANE Select); coding-DNA position 836, T replaced by G.
Protein change: p.Leu279Ter; replaces leucine 279 with a stop codon.
Molecular consequence: nonsense.
Genome position (GRCh38, 1-based): chr1:235,436,388, T>G. VCF-style: chr1-235436388-T-G. GRCh37 (hg19) VCF-style: chr1-235599703-T-G.
Other names: c.836T>G, p.Leu279Ter (NM_001079515.3); c.989T>G, p.Leu330Ter (NM_001287801.2); c.497T>G, p.Leu166Ter (NM_001287802.2); short protein forms L279*, L330*, L166*.
Identifiers: ClinVar variation 2847690 (VCV002847690.3), dbSNP rs1408765134, ClinGen allele CA344939506.